The following is an entry in ClinVar:

NM_032737.4(LMNB2):c.503G>A (p.Ser168Asn)

Gene: LMNB2 (lamin B2; minus strand). Cytogenetic location: 19p13.3.
Variant type: single nucleotide variant.
Coding change: c.503G>A on transcript NM_032737.4 (MANE Select); coding-DNA position 503, G replaced by A.
Protein change: p.Ser168Asn; replaces serine 168 with asparagine.
Molecular consequence: missense variant.
Genome position (GRCh38, 1-based): chr19:2,438,430, C>T on the plus strand (G>A on the coding strand, the complement: LMNB2 is on the minus strand). VCF-style: chr19-2438430-C-T. GRCh37 (hg19) VCF-style: chr19-2438428-C-T.
Other names: short protein forms S168N.
Identifiers: ClinVar variation 2931985 (VCV002931985.3), dbSNP rs1033276927, ClinGen allele CA304230291.

ClinVar aggregate classification (germline): Uncertain significance (1 of 4 stars; one submission).

Conditions:
Progressive myoclonic epilepsy type 9. Identifiers: Orphanet 457265, MedGen C4225289, MONDO:0014685, OMIM 616540.
Lipodystrophy, partial, acquired, susceptibility to (APLD). Also called: APLD, SUSCEPTIBILITY TO. Identifiers: MedGen C3887501, MONDO:0100476, OMIM 608709.

Allele frequency attached by ClinVar (database versions not stated): gnomAD exomes below 0.00001; TOPMed below 0.00001.

Submission:

Labcorp Genetics (formerly Invitae), Labcorp
Classification: Uncertain significance for Progressive myoclonic epilepsy type 9; Lipodystrophy, partial, acquired, susceptibility to. Last evaluated: 2023-04-18. Review status: criteria provided, single submitter. Criteria: Invitae Variant Classification Sherloc (09022015). Collection method: clinical testing. Allele origin: germline.
Comment: This sequence change replaces serine, which is neutral and polar, with asparagine, which is neutral and polar, at codon 168 of the LMNB2 protein (p.Ser168Asn). In summary, the available evidence is currently insufficient to determine the role of this variant in disease. Therefore, it has been classified as a Variant of Uncertain Significance. Advanced modeling of protein sequence and biophysical properties (such as structural, functional, and spatial information, amino acid conservation, physicochemical variation, residue mobility, and thermodynamic stability) performed at Invitae indicates that this missense variant is not expected to disrupt LMNB2 protein function. This variant has not been reported in the literature in individuals affected with LMNB2-related conditions. This variant is present in population databases (no rsID available, gnomAD 0.007%).